The following is an entry in ClinVar:

NM_001367479.1(DNAH14):c.368-3C>G

Gene: DNAH14 (dynein axonemal heavy chain 14; plus strand). Cytogenetic location: 1q42.12.
Variant type: single nucleotide variant.
Coding change: c.368-3C>G on transcript NM_001367479.1 (MANE Select); 3 bases into the intron before coding-DNA position 368, C replaced by G.
Molecular consequence: intron variant.
Genome position (GRCh38, 1-based): chr1:224,964,476, C>G. VCF-style: chr1-224964476-C-G. GRCh37 (hg19) VCF-style: chr1-225152178-C-G.
Other names: c.368-3C>G (NM_144989.3, NM_001145154.3, NM_001349911.2 and 1 more transcripts); c.218-3C>G (NM_001349912.2).
Identifiers: ClinVar variation 3363880 (VCV003363880.1).

ClinVar aggregate classification (germline): Uncertain significance (1 of 4 stars; one submission).

gnomAD v4.1: 3 of 1,605,644 alleles (0.00019%); highest among the groups gnomAD compares: Non-Finnish European, 0.00026%; no homozygotes.

Submission:

GeneDx
Classification: Uncertain significance. Last evaluated: 2023-11-13. Review status: criteria provided, single submitter. Criteria: GeneDx Variant Classification Process June 2021. Collection method: clinical testing. Allele origin: germline. Affected: yes.
Comment: Not observed at significant frequency in large population cohorts (gnomAD); Has not been previously published as pathogenic or benign to our knowledge; In silico analysis is inconclusive as to whether the variant alters gene splicing. In the absence of RNA/functional studies, the actual effect of this sequence change is unknown.